The following is an entry in ClinVar:

NM_182641.4(BPTF):c.1328C>G (p.Thr443Ser)

Gene: BPTF (bromodomain PHD finger transcription factor; plus strand). Cytogenetic location: 17q24.2.
Variant type: single nucleotide variant.
Coding change: c.1328C>G on transcript NM_182641.4 (MANE Select); coding-DNA position 1328, C replaced by G.
Protein change: p.Thr443Ser; replaces threonine 443 with serine.
Molecular consequence: missense variant.
Genome position (GRCh38, 1-based): chr17:67,854,654, C>G. VCF-style: chr17-67854654-C-G. GRCh37 (hg19) VCF-style: chr17-65850770-C-G.
Other names: c.1328C>G, p.Thr443Ser (NM_004459.7); short protein forms T443S.
Identifiers: ClinVar variation 3343315 (VCV003343315.1).

ClinVar aggregate classification (germline): Uncertain significance (1 of 4 stars; one submission).

gnomAD v4.1: 1 of 1,614,022 alleles (0.000062%); highest among the groups gnomAD compares: African/African-American, 0.0013%; no homozygotes.

Submission:

GeneDx
Classification: Uncertain significance. Last evaluated: 2023-05-05. Review status: criteria provided, single submitter. Criteria: GeneDx Variant Classification Process June 2021. Collection method: clinical testing. Allele origin: germline. Affected: yes.
Comment: Not observed at significant frequency in large population cohorts (gnomAD); In silico analysis supports that this missense variant has a deleterious effect on protein structure/function; Has not been previously published as pathogenic or benign to our knowledge